The following continues an entry in ClinVar:

NM_000157.4(GBA1):c.476G>A (p.Arg159Gln)

ClinVar aggregate classification (germline): Conflicting classifications of pathogenicity. Pathogenic (7); Likely pathogenic (1); Uncertain significance (1).

Submissions 9 to 13 of 13:

Broad Center for Mendelian Genomics, Broad Institute of MIT and Harvard
Classification: Pathogenic for Gaucher disease. Last evaluated: 2020-01-22. Review status: criteria provided, single submitter. Criteria: ACMG Guidelines, 2015. Collection method: curation. Allele origin: germline. Inheritance: Autosomal recessive inheritance.
Comment: The p.Arg159Gln variant in GBA has been reported in at least 6 individuals with Gaucher disease (PMID: 15214004, 17560820, 17059888, 22658918) and has been identified in 0.002891% (1/34592) of Latino chromosomes and 0.0008814% (1/113462) of European (non-Finnish) chromosomes by the Genome Aggregation Database (gnomAD; dbSNP rs79653797). Although this variant has been seen in the general population, its frequency is low enough to be consistent with a recessive carrier frequency. This variant has also been reported in ClinVar (VariationID: 4291) as pathogenic by OMIM. In vitro functional studies showing that fibroblasts cultured from a patient with Gaucher disease had <1% wild-type activity provide some evidence that the p.Arg159Gln variant may impact protein function (PMID: 15214004). However, these types of assays may not accurately represent biological function. Computational prediction tools and conservation analyses suggest that this variant may impact the protein, though this information is not predictive enough to determine pathogenicity. One additional pathogenic variant, resulting in a different amino acid change at the same position, p.Arg159Trp, has been reported in association with Gaucher disease in the literature and ClinVar, supporting that this variant may be pathogenic (VariationID: 65570; PMID: 28727984, 22623374, 17395504, 27865684, 29685539, 30764785, 23936319). Additionally, the presence of this variant in combination with reported pathogenic and likely pathogenic variants and in 4 individuals with Gaucher disease increases the likelihood that the p.Arg159Gln variant is pathogenic (VariationID: 4290, 4333; PMID: 15214004, 17560820, 17059888). In summary, this variant meets criteria to be classified as pathogenic for Gaucher disease in an autosomal recessive manner based on the presence of the variant in combination with reported pathogenic variants, the significantly reduced activity of the protein in fibroblasts derived from a proband, and the presence of a pathogenic variant at the same position. ACMG/AMP Criteria applied: PM3_strong, PM2, PS3_moderate, PM5, PP3 (Richards 2015).

OMIM
Classification: Pathogenic for GAUCHER DISEASE, TYPE I. Last evaluated: 2004-07-15. Review status: no assertion criteria provided. Collection method: literature only. Allele origin: germline. Not counted in ClinVar's aggregate classification.

OMIM
Classification: Pathogenic for GAUCHER DISEASE, PERINATAL LETHAL. Last evaluated: 2004-07-15. Review status: no assertion criteria provided. Collection method: literature only. Allele origin: germline. Not counted in ClinVar's aggregate classification.

Dr. Peter K. Rogan Lab, Western University
No classification provided (evidence only). Condition: Melanoma. Review status: no classification provided. Collection method: in vitro. Allele origin: not applicable. Functional consequence: retained intron. Not counted in ClinVar's aggregate classification.

GeneReviews
No classification provided. Condition: Gaucher disease. Review status: no classification provided. Collection method: literature only. Allele origin: germline. Not counted in ClinVar's aggregate classification.

Literature cited by the submitters: PubMed 3180993 (cited by 4 submitters); PubMed 10796875 (cited by Labcorp Genetics (formerly Invitae), Labcorp and Women's Health and Genetics/Laboratory Corporation of America, LabCorp); PubMed 15214004 (cited by 6 submitters); PubMed 23588557 (cited by Labcorp Genetics (formerly Invitae), Labcorp); PubMed 32613234 (cited by Labcorp Genetics (formerly Invitae), Labcorp); PubMed 33977031 (cited by Labcorp Genetics (formerly Invitae), Labcorp); PubMed 34820281 (cited by Labcorp Genetics (formerly Invitae), Labcorp); PubMed 16293621 (cited by Labcorp Genetics (formerly Invitae), Labcorp and Women's Health and Genetics/Laboratory Corporation of America, LabCorp); PubMed 17395504 (cited by Labcorp Genetics (formerly Invitae), Labcorp); PubMed 17427031 (cited by Labcorp Genetics (formerly Invitae), Labcorp); PubMed 22623374 (cited by Labcorp Genetics (formerly Invitae), Labcorp); PubMed 23430543 (cited by Labcorp Genetics (formerly Invitae), Labcorp); PubMed 2349952 (cited by Dasa); PubMed 17059888 (cited by 4 submitters); PubMed 34649574 (cited by Natera, Inc.); PubMed 8280613 (cited by Women's Health and Genetics/Laboratory Corporation of America, LabCorp); PubMed 17560820 (cited by Women's Health and Genetics/Laboratory Corporation of America, LabCorp and Broad Center for Mendelian Genomics, Broad Institute of MIT and Harvard); PubMed 20005137 (cited by Women's Health and Genetics/Laboratory Corporation of America, LabCorp); PubMed 27282561 (cited by Women's Health and Genetics/Laboratory Corporation of America, LabCorp); PubMed 2502917 (cited by Women's Health and Genetics/Laboratory Corporation of America, LabCorp); PubMed 16546416 (cited by Johns Hopkins Genomics, Johns Hopkins University); PubMed 1899336 (cited by Johns Hopkins Genomics, Johns Hopkins University and OMIM).